The following is an entry in ClinVar:

ClinVar aggregate classification (germline): Pathogenic (1 of 4 stars; one submission).

Submission:

Labcorp Genetics (formerly Invitae), Labcorp
Classification: Pathogenic. Last evaluated: 2024-01-25. Review status: criteria provided, single submitter. Criteria: Invitae Variant Classification Sherloc (09022015). Collection method: clinical testing. Allele origin: germline.
Comment: This variant is a gross deletion of the genomic region encompassing exon(s) 1 of the FECH gene, which includes the initiator codon. This deletion extends beyond the assayed region for this gene and therefore may encompass additional genes. It is expected to result in an absent or disrupted protein product. Loss-of-function variants in FECH are known to be pathogenic (PMID: 20105171, 23016163, 23364466). A similar copy number variant has been observed in individual(s) with erythropoietic protoporphyria (PMID: 17597821, 21627978). For these reasons, this variant has been classified as Pathogenic.

Literature cited by the submitters: PubMed 20105171; PubMed 23016163; PubMed 23364466; PubMed 17597821; PubMed 21627978.

NC_000018.9:g.(?_55253766)_(55254103_?)del

Gene: FECH (ferrochelatase; minus strand). Cytogenetic location: 18q21.31.
Variant type: Deletion.
Identifiers: ClinVar variation 1454603 (VCV001454603.5).